The following is an entry in ClinVar:

NM_000321.3(RB1):c.83dup (p.Pro29fs)

Gene: RB1 (RB transcriptional corepressor 1; plus strand). Cytogenetic location: 13q14.2.
Variant type: Duplication.
Coding change: c.83dup on transcript NM_000321.3 (MANE Select); coding-DNA position 83, one base duplicated (C; older notation c.83dupC).
Protein change: p.Pro29fs; shifts the reading frame from proline 29.
Molecular consequence: frameshift variant.
Genome position (GRCh38, 1-based): chr13:48,303,995, C duplicated; the last of 5 consecutive C bases (chr13:48,303,991-48,303,995); duplicating any one gives the same sequence. VCF-style (leftmost placement, unchanged base first): chr13-48303990-G-GC. GRCh37 (hg19) VCF-style: chr13-48878126-G-GC.
Other names: c.83dupC (NM_000321.2); c.83dup, p.Pro29fs (NM_001407165.1, NM_001407166.1, NM_001407167.1); short protein forms P29fs.
Identifiers: ClinVar variation 3764152 (VCV003764152.3), dbSNP rs1131690861.

ClinVar aggregate classification (germline): Pathogenic. Review status: criteria provided, multiple submitters, no conflicts (2 of 4 stars). 3 submissions from 3 submitters: Pathogenic (3). Last evaluated 2026-07-27.

Conditions:
Hereditary cancer-predisposing syndrome. Also called: Tumor predisposition; Hereditary neoplastic syndrome; Hereditary Cancer Syndrome; Neoplastic Syndromes, Hereditary. Identifiers: Orphanet 140162, MedGen C0027672, MeSH D009386, MONDO:0015356.
Hereditary retinoblastoma. Identifiers: Orphanet 357027, MedGen C0751483, MONDO:0018160.

Submissions (3):

Ambry Genetics
Classification: Pathogenic for Hereditary cancer-predisposing syndrome. Last evaluated: 2026-07-27. Review status: criteria provided, single submitter. Criteria: Ambry Variant Classification Scheme 2023. Collection method: clinical testing. Allele origin: germline.
Comment: The c.83dupC pathogenic mutation, located in coding exon 1 of the RB1 gene, results from a duplication of C at nucleotide position 83, causing a translational frameshift with a predicted alternate stop codon (p.P29Sfs*2). This variant was reported in individual(s) with features consistent with RB1-related retinoblastoma (van Rensburg I et al. BMC Cancer, 2026 Feb;26:). This variant is considered to be rare based on population cohorts in the Genome Aggregation Database (gnomAD). This variant is expected to result in loss of function by premature protein truncation or nonsense-mediated mRNA decay. As such, this variant is interpreted as a disease-causing mutation.

Ramesar Group, Division of Human Genetics, Institute of Infectious Diseases and Molecular Medicine, UCT/MRC Genomic and Precision Medicine Research Unit, University of Cape Town
Classification: Pathogenic for Hereditary retinoblastoma. Last evaluated: 2025-09-17. Review status: criteria provided, single submitter. Criteria: ACMG Guidelines, 2015. Collection method: research. Allele origin: germline. Affected: yes. Observed: 1 variant allele.
Comment: PVS1: Null variant (frameshift) in a gene (RB1) where LOF is a known mechanism of disease PM2: Absent from gnomAD and ExAC PP4: Patient presents with bilateral retinoblastoma PP5: Reported as pathogenic in ClinVar

GeneDx
Classification: Pathogenic. Last evaluated: 2024-08-19. Review status: criteria provided, single submitter. Criteria: GeneDx Variant Classification Process June 2021. Collection method: clinical testing. Allele origin: germline. Affected: yes.
Comment: Frameshift variant predicted to result in protein truncation or nonsense mediated decay in a gene for which loss of function is a known mechanism of disease; Not observed at significant frequency in large population cohorts (gnomAD); This variant is associated with the following publications: (PMID: 24225018, 29847298)

Literature cited by the submitters: PubMed 41764457 (cited by Ambry Genetics).